The following is an entry in ClinVar:

ClinVar aggregate classification (germline): Uncertain significance (1 of 4 stars; one submission).

Allele frequency attached by ClinVar (database versions not stated): gnomAD exomes 0.00001 and 0.00003; ExAC 0.00004; ESP Exome Variant Server 0.00016; TOPMed 0.00016; gnomAD 0.00019.

Submission:

GeneDx
Classification: Uncertain significance. Last evaluated: 2021-07-08. Review status: criteria provided, single submitter. Criteria: GeneDx Variant Classification Process June 2021. Collection method: clinical testing. Allele origin: germline. Affected: yes.
Comment: In silico analysis supports that this variant does not alter splicing; Has not been previously published as pathogenic or benign to our knowledge; This variant is associated with the following publications: (PMID: 27535533)

NM_198999.3(SLC26A5):c.735+6dup

Gene: SLC26A5 (solute carrier family 26 member 5; minus strand). Cytogenetic location: 7q22.1.
Variant type: Duplication.
Coding change: c.735+6dup on transcript NM_198999.3 (MANE Select); 6 bases into the intron after coding-DNA position 735, one base duplicated (T; older notation c.735+6dupT).
Molecular consequence: intron variant.
Genome position (GRCh38, 1-based): chr7:103,410,379, A duplicated on the plus strand (T on the coding strand, the reverse complement: SLC26A5 is on the minus strand). VCF-style (leftmost placement, unchanged base first): chr7-103410378-T-TA. GRCh37 (hg19) VCF-style: chr7-103050825-T-TA.
Other names: c.735+6dup (NM_206885.3, NM_001321787.2, NM_206884.3 and 2 more transcripts).
Identifiers: ClinVar variation 1186806 (VCV001186806.2), dbSNP rs759179643, ClinGen allele CA4419721.